The following is an entry in ClinVar:

NM_015662.3(IFT172):c.1522C>T (p.Arg508Cys)

Gene: IFT172 (intraflagellar transport 172; minus strand). Cytogenetic location: 2p23.3.
Variant type: single nucleotide variant.
Coding change: c.1522C>T on transcript NM_015662.3 (MANE Select); coding-DNA position 1522, C replaced by T.
Protein change: p.Arg508Cys; replaces arginine 508 with cysteine.
Molecular consequence: missense variant.
Genome position (GRCh38, 1-based): chr2:27,472,252, G>A on the plus strand (C>T on the coding strand, the complement: IFT172 is on the minus strand). VCF-style: chr2-27472252-G-A. GRCh37 (hg19) VCF-style: chr2-27695119-G-A.
Other names: c.1522C>T (NM_015662.1); short protein forms R508C.
Identifiers: ClinVar variation 961445 (VCV000961445.11), dbSNP rs371011000, ClinGen allele CA1580627.

ClinVar aggregate classification (germline): Uncertain significance. Review status: criteria provided, multiple submitters, no conflicts (2 of 4 stars). 5 submissions from 5 submitters: Uncertain significance (4). 1 of the submissions does not count toward it. Last evaluated 2025-09-01.

Conditions:
IFT172-related disorder. Also called: IFT172-related disorders; IFT172-related condition.
Inborn genetic diseases. Identifiers: MedGen C0950123, MeSH D030342.
Retinitis pigmentosa 71 (RP71). Identifiers: Orphanet 791, MedGen C4225342, MONDO:0014618, OMIM 616394.
Short-rib thoracic dysplasia 10 with or without polydactyly (SRTD10). Identifiers: Orphanet 474, MedGen C3810175, MONDO:0014284, OMIM 615630.
Bardet-Biedl syndrome 20. Identifiers: MedGen C4310707, MONDO:0023670, OMIM 619471, MONDO:0014926.

Allele frequency attached by ClinVar (database versions not stated): gnomAD 0.00001; ExAC 0.00003; gnomAD exomes 0.00003.
gnomAD v4.1: 22 of 1,612,398 alleles (0.0014%); highest among the groups gnomAD compares: Admixed American, 0.0083%; no homozygotes.

Submissions (6):

Ambry Genetics
Classification: Uncertain significance for Inborn genetic diseases. Last evaluated: 2025-09-01. Review status: criteria provided, single submitter. Criteria: Ambry Variant Classification Scheme 2023. Collection method: clinical testing. Allele origin: germline.

Labcorp Genetics (formerly Invitae), Labcorp
Classification: Uncertain significance for Retinitis pigmentosa 71; Short-rib thoracic dysplasia 10 with or without polydactyly. Last evaluated: 2024-10-29. Review status: criteria provided, single submitter. Criteria: Invitae Variant Classification Sherloc (09022015). Collection method: clinical testing. Allele origin: germline.
Comment: This sequence change replaces arginine, which is basic and polar, with cysteine, which is neutral and slightly polar, at codon 508 of the IFT172 protein (p.Arg508Cys). The frequency data for this variant in the population databases is considered unreliable, as metrics indicate poor data quality at this position in the gnomAD database. This variant has not been reported in the literature in individuals affected with IFT172-related conditions. ClinVar contains an entry for this variant (Variation ID: 961445). Invitae Evidence Modeling of protein sequence and biophysical properties (such as structural, functional, and spatial information, amino acid conservation, physicochemical variation, residue mobility, and thermodynamic stability) has been performed for this missense variant. However, the output from this modeling did not meet the statistical confidence thresholds required to predict the impact of this variant on IFT172 protein function. In summary, the available evidence is currently insufficient to determine the role of this variant in disease. Therefore, it has been classified as a Variant of Uncertain Significance.

Fulgent Genetics
Classification: Uncertain significance for Short-rib thoracic dysplasia 10 with or without polydactyly; Retinitis pigmentosa 71; Bardet-Biedl syndrome 20. Last evaluated: 2024-05-06. Review status: criteria provided, single submitter. Criteria: ACMG Guidelines, 2015. Collection method: clinical testing. Allele origin: germline.

Blueprint Genetics
Classification: Uncertain significance. Last evaluated: 2018-05-28. Review status: criteria provided, single submitter. Criteria: ACMG Guidelines, 2015. Collection method: clinical testing. Allele origin: germline.

PreventionGenetics, part of Exact Sciences
Classification: Uncertain significance for IFT172-related condition. Last evaluated: 2024-06-01. Review status: no assertion criteria provided. Collection method: clinical testing. Allele origin: germline. Not counted in ClinVar's aggregate classification.
Comment: The IFT172 c.1522C>T variant is predicted to result in the amino acid substitution p.Arg508Cys. To our knowledge, this variant has not been reported in the literature. This variant is reported in 0.0098% of alleles in individuals of South Asian descent in gnomAD. At this time, the clinical significance of this variant is uncertain due to the absence of conclusive functional and genetic evidence.

Dr. Peter K. Rogan Lab, Western University
No classification provided (evidence only). Condition: Melanoma. Review status: no classification provided. Collection method: in vitro. Allele origin: not applicable. Functional consequence: retained intron. Not counted in ClinVar's aggregate classification.